The following is an entry in ClinVar:

ClinVar aggregate classification (germline): Benign/Likely benign. Review status: criteria provided, multiple submitters, no conflicts (2 of 4 stars). 8 submissions from 8 submitters: Benign (4); Likely benign (2). 2 of the submissions do not count toward it. Last evaluated 2026-06-01.

Allele frequency attached by ClinVar (database versions not stated): ExAC 0.00119; gnomAD 0.00332; TOPMed 0.00405; 1000 Genomes Project 30x 0.00406; 1000 Genomes Project 0.00439; ESP Exome Variant Server 0.00461.
gnomAD v4.1: 1,149 of 1,612,992 alleles (0.071%); highest among the groups gnomAD compares: African/African-American, 1.3%; 9 homozygotes.

Submissions (8):

CeGaT Center for Human Genetics Tuebingen
Classification: Likely benign. Last evaluated: 2026-06-01. Review status: criteria provided, single submitter. Criteria: CeGaT Center For Human Genetics Tuebingen Variant Classification Criteria Version 2. Collection method: clinical testing. Allele origin: germline. Affected: yes. Observed: 2 variant alleles.
Comment: FGFR3: BP4, BS1

Labcorp Genetics (formerly Invitae), Labcorp
Classification: Benign. Last evaluated: 2026-01-27. Review status: criteria provided, single submitter. Criteria: Invitae Variant Classification Sherloc (09022015). Collection method: clinical testing. Allele origin: germline.

Blueprint Genetics
Classification: Benign. Last evaluated: 2024-10-18. Review status: criteria provided, single submitter. Criteria: ACMG Guidelines, 2015. Collection method: clinical testing. Allele origin: germline.

ARUP Laboratories, Molecular Genetics and Genomics, ARUP Laboratories
Classification: Likely benign. Last evaluated: 2020-12-17. Review status: criteria provided, single submitter. Criteria: ARUP Molecular Germline Variant Investigation Process 2021. Collection method: clinical testing. Allele origin: germline.

GeneDx
Classification: Benign. Last evaluated: 2017-07-17. Review status: criteria provided, single submitter. Criteria: GeneDx Variant Classification (06012015). Collection method: clinical testing. Allele origin: germline. Affected: yes.
Comment: This variant is considered likely benign or benign based on one or more of the following criteria: it is a conservative change, it occurs at a poorly conserved position in the protein, it is predicted to be benign by multiple in silico algorithms, and/or has population frequency not consistent with disease.

PreventionGenetics, part of Exact Sciences
Classification: Benign. Review status: criteria provided, single submitter. Criteria: ACMG Guidelines, 2015. Collection method: clinical testing. Allele origin: germline.

Genome Diagnostics Laboratory, Amsterdam University Medical Center
Classification: Benign. Review status: no assertion criteria provided. Collection method: clinical testing. Allele origin: germline. Affected: yes. Study: VKGL Data-share Consensus. Not counted in ClinVar's aggregate classification.

Laboratory of Diagnostic Genome Analysis, Leiden University Medical Center (LUMC)
Classification: Likely benign. Review status: no assertion criteria provided. Collection method: clinical testing. Allele origin: germline. Affected: yes. Study: VKGL Data-share Consensus. Not counted in ClinVar's aggregate classification.

NM_000142.5(FGFR3):c.1535-8G>T

Gene: FGFR3 (fibroblast growth factor receptor 3; plus strand). Cytogenetic location: 4p16.3.
Variant type: single nucleotide variant.
Coding change: c.1535-8G>T on transcript NM_000142.5 (MANE Select); 8 bases into the intron before coding-DNA position 1535, G replaced by T.
Molecular consequence: intron variant.
Genome position (GRCh38, 1-based): chr4:1,805,551, G>T. VCF-style: chr4-1805551-G-T. GRCh37 (hg19) VCF-style: chr4-1807278-G-T.
Other names: c.1541-8G>T (NM_001163213.2); c.1538-8G>T (NM_001354809.2, NM_001354810.2); c.1199-8G>T (NM_022965.4).
Identifiers: ClinVar variation 255333 (VCV000255333.24), dbSNP rs111460786, ClinGen allele CA2810464.
Genomic context (GRCh38, chr4:1,805,551, plus strand): 5'-GCCAGGGGTGCAGAGCAGGGCTGGGGGCGCCGCCGCCGCCTGACACAGGCCCCCCGCTCC[G>T]TGCACAGACGATGCCACTGACAAGGACCTGTCGGACCTGGTGTCTGAGATGGAGATGATG-3'